The following is an entry in ClinVar:

NM_024809.5(TCTN2):c.916C>T (p.Gln306Ter)

Gene: TCTN2 (tectonic family member 2; plus strand). Cytogenetic location: 12q24.31.
Variant type: single nucleotide variant.
Coding change: c.916C>T on transcript NM_024809.5 (MANE Select); coding-DNA position 916, C replaced by T.
Protein change: p.Gln306Ter; replaces glutamine 306 with a stop codon.
Molecular consequence: nonsense.
Genome position (GRCh38, 1-based): chr12:123,690,557, C>T. VCF-style: chr12-123690557-C-T. GRCh37 (hg19) VCF-style: chr12-124175104-C-T.
Other names: c.913C>T, p.Gln305Ter (NM_001143850.3); c.916C>T, p.Gln306Ter (NM_001410989.1); c.916C>T (NM_024809.4); short protein forms Q305*, Q306*.
Identifiers: ClinVar variation 3574349 (VCV003574349.5).

ClinVar aggregate classification (germline): Pathogenic/Likely pathogenic. Review status: criteria provided, multiple submitters, no conflicts (2 of 4 stars). 4 submissions from 4 submitters: Pathogenic (2); Likely pathogenic (2). Last evaluated 2026-03-04.

Conditions:
Meckel syndrome, type 8. Identifiers: Orphanet 564, MedGen C3836857, MONDO:0013482, OMIM 613885.
Joubert syndrome 24 (JBTS24). Identifiers: Orphanet 475, MedGen C4084841, MONDO:0014724, OMIM 616654.
TCTN2-related disorder. Also called: TCTN2-related disorders; TCTN2-related condition. Identifiers: MedGen CN239412.
Meckel-Gruber syndrome. Also called: DYSENCEPHALIA SPLANCHNOCYSTICA; GRUBER SYNDROME; Dysencephalia splachnocystica. Identifiers: Orphanet 564, MedGen C0265215, MONDO:0018921.
Joubert syndrome. Also called: Familial aplasia of the vermis; JOUBERT-BOLTSHAUSER SYNDROME. Identifiers: Orphanet 475, MedGen C5979921, MONDO:0018772.

gnomAD v4.1: 15 of 1,614,172 alleles (0.00093%); highest among the groups gnomAD compares: East Asian, 0.033%; no homozygotes.

Submissions (4):

GeneDx
Classification: Pathogenic. Last evaluated: 2026-03-04. Review status: criteria provided, single submitter. Criteria: GeneDx Variant Classification Process June 2021. Collection method: clinical testing. Allele origin: germline.
Comment: Nonsense variant predicted to result in protein truncation or nonsense mediated decay in a gene for which loss of function is a known mechanism of disease; Not observed at significant frequency in large population cohorts (gnomAD); This variant is associated with the following publications: (PMID: 36894704, 39433808, 41317100, 37735380)

Labcorp Genetics (formerly Invitae), Labcorp
Classification: Pathogenic for Joubert syndrome; Meckel-Gruber syndrome. Last evaluated: 2024-03-10. Review status: criteria provided, single submitter. Criteria: Invitae Variant Classification Sherloc (09022015). Collection method: clinical testing. Allele origin: germline.
Comment: This sequence change creates a premature translational stop signal (p.Gln306*) in the TCTN2 gene. It is expected to result in an absent or disrupted protein product. Loss-of-function variants in TCTN2 are known to be pathogenic (PMID: 21565611). This variant is not present in population databases (gnomAD no frequency). This variant has not been reported in the literature in individuals affected with TCTN2-related conditions. Algorithms developed to predict the effect of sequence changes on RNA splicing suggest that this variant may disrupt the consensus splice site. For these reasons, this variant has been classified as Pathogenic.

Fulgent Genetics
Classification: Likely pathogenic for Meckel syndrome, type 8; Joubert syndrome 24. Last evaluated: 2024-01-22. Review status: criteria provided, single submitter. Criteria: ACMG Guidelines, 2015. Collection method: clinical testing. Allele origin: germline.

Blueprint Genetics
Classification: Likely pathogenic for TCTN2-related disorders. Last evaluated: 2018-12-03. Review status: criteria provided, single submitter. Criteria: ACMG Guidelines, 2015. Collection method: clinical testing. Allele origin: germline. Affected: yes. Observed: 1 variant allele.

Literature cited by the submitters: PubMed 21565611 (cited by Labcorp Genetics (formerly Invitae), Labcorp).